The following is an entry in ClinVar:

NM_001378615.1(CC2D2A):c.3638del (p.Gly1213fs)

Genes: CC2D2A (coiled-coil and C2 domain containing 2A; plus strand), FBXL5 (F-box and leucine rich repeat protein 5; minus strand). Cytogenetic location: 4p15.32.
Variant type: Deletion.
Coding change: c.3638del on transcript NM_001378615.1 (MANE Select); coding-DNA position 3638, one base deleted (G; older notation c.3638delG).
Protein change: p.Gly1213fs; shifts the reading frame from glycine 1213.
Molecular consequence: frameshift variant.
Genome position (GRCh38, 1-based): chr4:15,574,193, G deleted; the last of 3 consecutive G bases (chr4:15,574,191-15,574,193); deleting any one gives the same sequence. VCF-style (leftmost placement, unchanged base first): chr4-15574190-TG-T. GRCh37 (hg19) VCF-style: chr4-15575813-TG-T.
Other names: c.3638del, p.Gly1213fs (NM_001080522.2); c.3491del, p.Gly1164fs (NM_001378617.1); short protein forms G1164fs, G1213fs.
Identifiers: ClinVar variation 2040349 (VCV002040349.4), dbSNP rs2475092915, ClinGen allele CA2578048029.

ClinVar aggregate classification (germline): Pathogenic (1 of 4 stars; one submission).

Conditions:
Joubert syndrome. Also called: JOUBERT-BOLTSHAUSER SYNDROME; Familial aplasia of the vermis. Identifiers: Orphanet 475, MedGen C5979921, MONDO:0018772.
Meckel-Gruber syndrome. Also called: DYSENCEPHALIA SPLANCHNOCYSTICA; GRUBER SYNDROME; Dysencephalia splachnocystica. Identifiers: Orphanet 564, MedGen C0265215, MONDO:0018921.

Submission:

Labcorp Genetics (formerly Invitae), Labcorp
Classification: Pathogenic for Joubert syndrome; Meckel-Gruber syndrome. Last evaluated: 2023-05-15. Review status: criteria provided, single submitter. Criteria: Invitae Variant Classification Sherloc (09022015). Collection method: clinical testing. Allele origin: germline.
Comment: This sequence change creates a premature translational stop signal (p.Gly1213Alafs*8) in the CC2D2A gene. It is expected to result in an absent or disrupted protein product. Loss-of-function variants in CC2D2A are known to be pathogenic (PMID: 19777577). For these reasons, this variant has been classified as Pathogenic. ClinVar contains an entry for this variant (Variation ID: 2040349). This premature translational stop signal has been observed in individual(s) with Joubert syndrome (PMID: 34182252). This variant is not present in population databases (gnomAD no frequency).

Literature cited by the submitters: PubMed 19777577; PubMed 34182252.